The following is an entry in ClinVar:

ClinVar aggregate classification (germline): Uncertain significance (1 of 4 stars; one submission).

Conditions:
Cardiovascular phenotype. Identifiers: MedGen CN230736.
Hereditary cancer-predisposing syndrome. Also called: Neoplastic Syndromes, Hereditary; Tumor predisposition; Hereditary Cancer Syndrome; Hereditary neoplastic syndrome. Identifiers: Orphanet 140162, MedGen C0027672, MeSH D009386, MONDO:0015356.

Submission:

Ambry Genetics
Classification: Uncertain significance for Cardiovascular phenotype; Hereditary cancer-predisposing syndrome. Last evaluated: 2025-09-19. Review status: criteria provided, single submitter. Criteria: Ambry Variant Classification Scheme 2023. Collection method: clinical testing. Allele origin: germline.
Comment: The p.D398N variant (also known as c.1192G>A), located in coding exon 11 of the LZTR1 gene, results from a G to A substitution at nucleotide position 1192. The aspartic acid at codon 398 is replaced by asparagine, an amino acid with highly similar properties. This amino acid position is conserved. In addition, this alteration is predicted to be tolerated by in silico analysis. Based on the available evidence, the clinical significance of this variant remains unclear.

NM_006767.4(LZTR1):c.1192G>A (p.Asp398Asn)

Gene: LZTR1 (leucine zipper like post translational regulator 1; plus strand). Cytogenetic location: 22q11.21.
Variant type: single nucleotide variant.
Coding change: c.1192G>A on transcript NM_006767.4 (MANE Select); coding-DNA position 1192, G replaced by A.
Protein change: p.Asp398Asn; replaces aspartic acid 398 with asparagine.
Molecular consequence: missense variant.
Genome position (GRCh38, 1-based): chr22:20,992,836, G>A. VCF-style: chr22-20992836-G-A. GRCh37 (hg19) VCF-style: chr22-21347125-G-A.
Other names: short protein forms D398N.
Identifiers: ClinVar variation 4615615 (VCV004615615.1).